The following is an entry in ClinVar:

ClinVar aggregate classification (germline): Conflicting classifications of pathogenicity. Review status: criteria provided, conflicting classifications (1 of 4 stars). 2 submissions from 2 submitters: Uncertain significance (1); Likely benign (1). Last evaluated 2024-04-17.

Conditions:
Inherited breast cancer and ovarian cancer.
Hereditary cancer-predisposing syndrome. Also called: Neoplastic Syndromes, Hereditary; Tumor predisposition; Hereditary neoplastic syndrome; Hereditary Cancer Syndrome. Identifiers: Orphanet 140162, MedGen C0027672, MeSH D009386, MONDO:0015356.

Submissions (2):

Genomics and Molecular Medicine Service, East Genomic Laboratory Hub, NHS Genomic Medicine Service
Classification: Uncertain significance for Inherited breast cancer and ovarian cancer. Last evaluated: 2024-04-17. Review status: criteria provided, single submitter. Criteria: ACGS Best Practice Guidelines for Variant Classification in Rare Disease 2020. Collection method: clinical testing. Allele origin: germline. Affected: yes.
Comment: PM2_Supporting,BP1

Ambry Genetics
Classification: Likely benign for Hereditary cancer-predisposing syndrome. Last evaluated: 2024-02-14. Review status: criteria provided, single submitter. Criteria: Ambry Variant Classification Scheme 2023. Collection method: clinical testing. Allele origin: germline.

NM_024675.4(PALB2):c.2653C>T (p.Pro885Ser)

Gene: PALB2 (partner and localizer of BRCA2; minus strand). Cytogenetic location: 16p12.2.
Variant type: single nucleotide variant.
Coding change: c.2653C>T on transcript NM_024675.4 (MANE Select); coding-DNA position 2653, C replaced by T.
Protein change: p.Pro885Ser; replaces proline 885 with serine.
Molecular consequence: missense variant. On other transcripts: intron variant (3).
Genome position (GRCh38, 1-based): chr16:23,626,331, G>A on the plus strand (C>T on the coding strand, the complement: PALB2 is on the minus strand). VCF-style: chr16-23626331-G-A. GRCh37 (hg19) VCF-style: chr16-23637652-G-A.
Other names: c.2593C>T, p.Pro865Ser (NM_001407296.1); c.2581C>T, p.Pro861Ser (NM_001407297.1); c.2653C>T, p.Pro885Ser (NM_001407299.1, NM_001407300.1, NM_001407301.1); c.1768C>T, p.Pro590Ser (NM_001407304.1, NM_001407305.1, NM_001407306.1 and 4 more transcripts); c.865C>T, p.Pro289Ser (NM_001407312.1, NM_001407313.1); c.187C>T, p.Pro63Ser (NM_001407314.1); c.2587-2237C>T (NM_001407302.1, NM_001407298.1); c.1702-2237C>T (NM_001407307.1); short protein forms P289S, P590S, P63S, P861S, P865S, P885S.
Identifiers: ClinVar variation 3228014 (VCV003228014.2), dbSNP rs878855111, ClinGen allele CA395122114.